The following is an entry in ClinVar:

NM_207037.2(TCF12):c.1982G>C (p.Arg661Thr)

Gene: TCF12 (transcription factor 12; plus strand). Cytogenetic location: 15q21.3.
Variant type: single nucleotide variant.
Coding change: c.1982G>C on transcript NM_207037.2 (MANE Select); coding-DNA position 1982, G replaced by C.
Protein change: p.Arg661Thr; replaces arginine 661 with threonine.
Molecular consequence: missense variant.
Genome position (GRCh38, 1-based): chr15:57,282,448, G>C. VCF-style: chr15-57282448-G-C. GRCh37 (hg19) VCF-style: chr15-57574646-G-C.
Other names: c.1472G>C, p.Arg491Thr (NM_001306219.3); c.1202G>C, p.Arg401Thr (NM_001306220.3); c.1982G>C, p.Arg661Thr (NM_001322151.2, NM_001322159.3, NM_001322162.2 and 1 more transcripts); c.1979G>C, p.Arg660Thr (NM_001322152.2, NM_001322161.2); c.1325G>C, p.Arg442Thr (NM_001322154.2); c.1808G>C, p.Arg603Thr (NM_001322156.2); c.1910G>C, p.Arg637Thr (NM_001322157.3, NM_001322165.2, NM_003205.4 and 1 more transcripts); c.1736G>C, p.Arg579Thr (NM_001322158.2); and 2 more; short protein forms R401T, R442T, R467T, R491T, R579T, R603T, R637T, R649T.
Identifiers: ClinVar variation 1806795 (VCV001806795.1), dbSNP rs2551510513, ClinGen allele CA392593733.

ClinVar aggregate classification (germline): Uncertain significance (1 of 4 stars; one submission).

Submission:

GeneDx
Classification: Uncertain significance. Last evaluated: 2022-06-22. Review status: criteria provided, single submitter. Criteria: GeneDx Variant Classification Process June 2021. Collection method: clinical testing. Allele origin: germline. Affected: yes.
Comment: Not observed at significant frequency in large population cohorts (gnomAD); In silico analysis supports that this missense variant has a deleterious effect on protein structure/function; Has not been previously published as pathogenic or benign to our knowledge